The following is an entry in ClinVar:

ClinVar aggregate classification (germline): Conflicting classifications of pathogenicity. Review status: criteria provided, conflicting classifications (1 of 4 stars). 3 submissions from 3 submitters: Uncertain significance (2); Benign (1). Last evaluated 2025-10-02.

Conditions:
Tuberous sclerosis 2 (TSC2). Identifiers: Orphanet 805, MedGen C1860707, MONDO:0013199, OMIM 613254.
Tuberous sclerosis syndrome (TSC). Also called: Tuberous Sclerosis Complex; Tuberous sclerosis. Identifiers: Orphanet 805, MedGen C0041341, MONDO:0001734.
Hereditary cancer-predisposing syndrome. Also called: Neoplastic Syndromes, Hereditary; Tumor predisposition; Hereditary Cancer Syndrome; Hereditary neoplastic syndrome. Identifiers: Orphanet 140162, MedGen C0027672, MeSH D009386, MONDO:0015356.

Allele frequency attached by ClinVar (database versions not stated): gnomAD exomes below 0.00001.

Submissions (3):

Labcorp Genetics (formerly Invitae), Labcorp
Classification: Benign for Tuberous sclerosis 2. Last evaluated: 2025-10-02. Review status: criteria provided, single submitter. Criteria: Invitae Variant Classification Sherloc (09022015). Collection method: clinical testing. Allele origin: germline.

Color Diagnostics, LLC DBA Color Health
Classification: Uncertain significance for Tuberous sclerosis syndrome. Last evaluated: 2025-09-17. Review status: criteria provided, single submitter. Criteria: ACMG Guidelines, 2015. Collection method: clinical testing. Allele origin: germline.
Comment: This missense variant replaces leucine with phenylalanine at codon 368 of the TSC2 protein. Computational prediction is inconclusive regarding the impact of this variant on protein structure and function. To our knowledge, functional studies have not been reported for this variant. This variant has not been reported in individuals affected with TSC2-related disorders in the literature. This variant has not been identified in the general population by the Genome Aggregation Database (gnomAD). The available evidence is insufficient to determine the role of this variant in disease conclusively. Therefore, this variant is classified as a Variant of Uncertain Significance.

Ambry Genetics
Classification: Uncertain significance for Hereditary cancer-predisposing syndrome. Last evaluated: 2025-03-11. Review status: criteria provided, single submitter. Criteria: Ambry Variant Classification Scheme 2023. Collection method: clinical testing. Allele origin: germline.
Comment: The p.L368F variant (also known as c.1102C>T), located in coding exon 10 of the TSC2 gene, results from a C to T substitution at nucleotide position 1102. The leucine at codon 368 is replaced by phenylalanine, an amino acid with highly similar properties. This variant was detected as heterozygous in individual(s) with no reported features of tuberous sclerosis complex (Ambry internal data). This amino acid position is highly conserved in available vertebrate species. In addition, the in silico prediction for this alteration is inconclusive. Based on the available evidence, the clinical significance of this variant remains unclear.

NM_000548.5(TSC2):c.1102C>T (p.Leu368Phe)

Gene: TSC2 (TSC complex subunit 2; plus strand). Cytogenetic location: 16p13.3.
Variant type: single nucleotide variant.
Coding change: c.1102C>T on transcript NM_000548.5 (MANE Select); coding-DNA position 1102, C replaced by T.
Protein change: p.Leu368Phe; replaces leucine 368 with phenylalanine.
Molecular consequence: missense variant.
Genome position (GRCh38, 1-based): chr16:2,060,796, C>T. VCF-style: chr16-2060796-C-T. GRCh37 (hg19) VCF-style: chr16-2110797-C-T.
Other names: c.1102C>T, p.Leu368Phe (NM_001370405.1, NM_021055.3, NM_001077183.3 and 3 more transcripts); c.991C>T, p.Leu331Phe (NM_001318827.2); c.955C>T, p.Leu319Phe (NM_001318829.2); c.502C>T, p.Leu168Phe (NM_001318831.2); c.1135C>T, p.Leu379Phe (NM_001318832.2); short protein forms L368F, L331F, L379F, L168F, L319F.
Identifiers: ClinVar variation 567076 (VCV000567076.12), dbSNP rs1567423904, ClinGen allele CA394318278.
Genomic context (GRCh38, chr16:2,060,796, plus strand): 5'-AAGTATAGGAAGGAGCTCCAGGTGGTGGCGTGGGACATTCTGCTGAACATCATCGAACGG[C>T]TCCTTCAGCAGCTCCAGGTGGGGTGGGGGCAGGAGCTCCGGGGAGCACCGGGAACCCAGA-3'
Protein context (NP_000539.2, residues 358-378): WDILLNIIER[Leu368Phe]LQQLQTLDSP